The following is an entry in ClinVar:

ClinVar aggregate classification (germline): Uncertain significance (1 of 4 stars; one submission).

Conditions:
Primary ciliary dyskinesia. Also called: Ciliary dyskinesia. Identifiers: Orphanet 244, MedGen C0008780, MONDO:0016575, HP:0012265.

Allele frequency attached by ClinVar (database versions not stated): gnomAD 0.00001; TOPMed 0.00001.

Submission:

Labcorp Genetics (formerly Invitae), Labcorp
Classification: Uncertain significance for Primary ciliary dyskinesia. Last evaluated: 2022-04-09. Review status: criteria provided, single submitter. Criteria: Invitae Variant Classification Sherloc (09022015). Collection method: clinical testing. Allele origin: germline.
Comment: This sequence change replaces glutamic acid, which is acidic and polar, with lysine, which is basic and polar, at codon 391 of the DNAH5 protein (p.Glu391Lys). This variant is not present in population databases (gnomAD no frequency). This variant has not been reported in the literature in individuals affected with DNAH5-related conditions. Advanced modeling of protein sequence and biophysical properties (such as structural, functional, and spatial information, amino acid conservation, physicochemical variation, residue mobility, and thermodynamic stability) performed at Invitae indicates that this missense variant is not expected to disrupt DNAH5 protein function. In summary, the available evidence is currently insufficient to determine the role of this variant in disease. Therefore, it has been classified as a Variant of Uncertain Significance.

NM_001369.3(DNAH5):c.1171G>A (p.Glu391Lys)

Gene: DNAH5 (dynein axonemal heavy chain 5; minus strand). Cytogenetic location: 5p15.2.
Variant type: single nucleotide variant.
Coding change: c.1171G>A on transcript NM_001369.3 (MANE Select); coding-DNA position 1171, G replaced by A.
Protein change: p.Glu391Lys; replaces glutamic acid 391 with lysine.
Molecular consequence: missense variant.
Genome position (GRCh38, 1-based): chr5:13,916,374, C>T on the plus strand (G>A on the coding strand, the complement: DNAH5 is on the minus strand). VCF-style: chr5-13916374-C-T. GRCh37 (hg19) VCF-style: chr5-13916483-C-T.
Other names: short protein forms E391K.
Identifiers: ClinVar variation 2151857 (VCV002151857.4), dbSNP rs1776643297, ClinGen allele CA359216445.